The following is an entry in ClinVar:

ClinVar aggregate classification (germline): Uncertain significance (1 of 4 stars; one submission).

Conditions:
Hereditary spastic paraplegia 3A (SPG3A). Also called: SPASTIC PARAPLEGIA 3, AUTOSOMAL DOMINANT; FAMILIAL SPASTIC PARAPLEGIA, AUTOSOMAL DOMINANT, 1; SPG3; STRUMPELL DISEASE; Spastic Paraplegia 3A; Spastic paraplegia 3A, autosomal dominant. Identifiers: Orphanet 100984, MedGen C2931355, MONDO:0008437, OMIM 182600.

Submission:

Labcorp Genetics (formerly Invitae), Labcorp
Classification: Uncertain significance for Hereditary spastic paraplegia 3A. Last evaluated: 2025-11-16. Review status: criteria provided, single submitter. Criteria: Invitae Variant Classification Sherloc (09022015). Collection method: clinical testing. Allele origin: germline.
Comment: This sequence change replaces leucine, which is neutral and non-polar, with phenylalanine, which is neutral and non-polar, at codon 524 of the ATL1 protein (p.Leu524Phe). This variant is not present in population databases (gnomAD no frequency). This variant has not been reported in the literature in individuals affected with ATL1-related conditions. Invitae Evidence Modeling of protein sequence and biophysical properties (such as structural, functional, and spatial information, amino acid conservation, physicochemical variation, residue mobility, and thermodynamic stability) has been performed for this missense variant. However, the output from this modeling did not meet the statistical confidence thresholds required to predict the impact of this variant on ATL1 protein function. In summary, the available evidence is currently insufficient to determine the role of this variant in disease. Therefore, it has been classified as a Variant of Uncertain Significance.

NM_015915.5(ATL1):c.1572G>T (p.Leu524Phe)

Gene: ATL1 (atlastin GTPase 1; plus strand). Cytogenetic location: 14q22.1.
Variant type: single nucleotide variant.
Coding change: c.1572G>T on transcript NM_015915.5 (MANE Select); coding-DNA position 1572, G replaced by T.
Protein change: p.Leu524Phe; replaces leucine 524 with phenylalanine.
Molecular consequence: missense variant.
Genome position (GRCh38, 1-based): chr14:50,632,234, G>T. VCF-style: chr14-50632234-G-T. GRCh37 (hg19) VCF-style: chr14-51098952-G-T.
Other names: c.1557G>T, p.Leu519Phe (NM_001127713.1, NM_181598.4); short protein forms L519F, L524F.
Identifiers: ClinVar variation 4801995 (VCV004801995.1).